The following is an entry in ClinVar:

NM_000059.4(BRCA2):c.3986G>T (p.Arg1329Ile)

Gene: BRCA2 (BRCA2 DNA repair associated; plus strand). Cytogenetic location: 13q13.1.
Variant type: single nucleotide variant.
Coding change: c.3986G>T on transcript NM_000059.4 (MANE Select); coding-DNA position 3986, G replaced by T.
Protein change: p.Arg1329Ile; replaces arginine 1329 with isoleucine.
Molecular consequence: missense variant.
Genome position (GRCh38, 1-based): chr13:32,338,341, G>T. VCF-style: chr13-32338341-G-T. GRCh37 (hg19) VCF-style: chr13-32912478-G-T.
Other names: c.3986G>T, p.Arg1329Ile (NM_001406719.1, NM_001406720.1); short protein forms R1329I.
Identifiers: ClinVar variation 1736732 (VCV001736732.4), dbSNP rs1566229484, ClinGen allele CA387778963.
Genomic context (GRCh38, chr13:32,338,341, plus strand): 5'-TTACTGAAAATTACAAGAGAAATACTGAAAATGAAGATAACAAATATACTGCTGCCAGTA[G>T]AAATTCTCATAACTTAGAATTTGATGGCAGTGATTCAAGTAAAAATGATACTGTTTGTAT-3'
Protein context (NP_000050.3, residues 1319-1339): NEDNKYTAAS[Arg1329Ile]NSHNLEFDGS

ClinVar aggregate classification (germline): Conflicting classifications of pathogenicity. Review status: criteria provided, conflicting classifications (1 of 4 stars). 2 submissions from 2 submitters: Uncertain significance (1); Likely benign (1). Last evaluated 2023-03-23.

Conditions:
Hereditary cancer-predisposing syndrome. Also called: Neoplastic Syndromes, Hereditary; Tumor predisposition; Hereditary Cancer Syndrome; Hereditary neoplastic syndrome. Identifiers: Orphanet 140162, MedGen C0027672, MeSH D009386, MONDO:0015356.

Submissions (2):

University of Washington Department of Laboratory Medicine, University of Washington
Classification: Likely benign for Hereditary cancer-predisposing syndrome. Last evaluated: 2023-03-23. Review status: criteria provided, single submitter. Criteria: Dines et al. (Genet Med. 2020). Collection method: curation. Allele origin: germline.
Comment: Missense variant in a coldspot region where missense variants are very unlikely to be pathogenic (PMID:31911673).

BRCA2 exon 11 coldspot. Reclassification based on statistical prior probability.

Ambry Genetics
Classification: Uncertain significance for Hereditary cancer-predisposing syndrome. Last evaluated: 2021-12-11. Review status: criteria provided, single submitter. Criteria: Ambry Variant Classification Scheme 2023. Collection method: clinical testing. Allele origin: germline.
Comment: The p.R1329I variant (also known as c.3986G>T), located in coding exon 10 of the BRCA2 gene, results from a G to T substitution at nucleotide position 3986. The arginine at codon 1329 is replaced by isoleucine, an amino acid with similar properties. This amino acid position is conserved. In addition, this alteration is predicted to be tolerated by in silico analysis. Since supporting evidence is limited at this time, the clinical significance of this alteration remains unclear.